The following is an entry in ClinVar:

ClinVar aggregate classification (germline): Uncertain significance (1 of 4 stars; one submission).

Allele frequency attached by ClinVar (database versions not stated): TOPMed below 0.00001; gnomAD 0.00001.
gnomAD v4.1: 1 of 1,614,024 alleles (0.000062%); highest among the groups gnomAD compares: Non-Finnish European, 0.000085%; no homozygotes.

Submission:

Ambry Genetics
Classification: Uncertain significance. Last evaluated: 2024-10-08. Review status: criteria provided, single submitter. Criteria: Ambry Variant Classification Scheme 2023. Collection method: clinical testing. Allele origin: germline.
Comment: The p.D896G variant (also known as c.2687A>G), located in coding exon 24 of the KIF1B gene, results from an A to G substitution at nucleotide position 2687. The aspartic acid at codon 896 is replaced by glycine, an amino acid with similar properties. This amino acid position is conserved. In addition, this alteration is predicted to be deleterious by in silico analysis. Since supporting evidence is limited at this time, the clinical significance of this alteration remains unclear.

NM_001365951.3(KIF1B):c.2825A>G (p.Asp942Gly)

Genes: KIF1B (kinesin family member 1B; plus strand), LOC126805614 (BRD4-independent group 4 enhancer GRCh37_chr1:10385546-10386745; plus strand). Cytogenetic location: 1p36.22.
Variant type: single nucleotide variant.
Coding change: c.2825A>G on transcript NM_001365951.3 (MANE Select); coding-DNA position 2825, A replaced by G.
Protein change: p.Asp942Gly; replaces aspartic acid 942 with glycine.
Molecular consequence: missense variant.
Genome position (GRCh38, 1-based): chr1:10,326,260, A>G. VCF-style: chr1-10326260-A-G. GRCh37 (hg19) VCF-style: chr1-10386318-A-G.
Other names: c.2825A>G, p.Asp942Gly (NM_001365952.1); c.2687A>G, p.Asp896Gly (NM_015074.3); short protein forms D896G, D942G.
Identifiers: ClinVar variation 1794738 (VCV001794738.3), dbSNP rs1651719427, ClinGen allele CA338337274.